The following is an entry in ClinVar:

ClinVar aggregate classification (germline): Uncertain significance. Review status: criteria provided, multiple submitters, no conflicts (2 of 4 stars). 5 submissions from 5 submitters: Uncertain significance (5). Last evaluated 2023-08-07.

Conditions:
Developmental and epileptic encephalopathy, 3 (DEE3). Also called: Epileptic encephalopathy, early infantile, 3. Identifiers: MedGen C5574665, MONDO:0012245, OMIM 609304.
Developmental and epileptic encephalopathy. Identifiers: MedGen C5779964, MONDO:0100620.
Inborn genetic diseases. Identifiers: MedGen C0950123, MeSH D030342.

Allele frequency attached by ClinVar (database versions not stated): gnomAD 0.00003 and 0.00004; gnomAD exomes 0.00003 and 0.00005; ExAC 0.00004; TOPMed 0.00005.
gnomAD v4.1: 44 of 1,611,802 alleles (0.0027%); highest among the groups gnomAD compares: Admixed American, 0.015%; no homozygotes.

Submissions (5):

Athena Diagnostics
Classification: Uncertain significance. Last evaluated: 2023-08-07. Review status: criteria provided, single submitter. Criteria: Athena Diagnostics Criteria. Collection method: clinical testing. Allele origin: unknown.
Comment: Available data are insufficient to determine the clinical significance of the variant at this time. The frequency of this variant in the general population is uninformative in assessment of its pathogenicity. Computational tools disagree on the variant's effect on normal protein function.

Labcorp Genetics (formerly Invitae), Labcorp
Classification: Uncertain significance for Early-infantile DEE. Last evaluated: 2021-09-01. Review status: criteria provided, single submitter. Criteria: Invitae Variant Classification Sherloc (09022015). Collection method: clinical testing. Allele origin: germline.
Comment: This sequence change replaces lysine with glutamic acid at codon 188 of the SLC25A22 protein (p.Lys188Glu). The lysine residue is highly conserved and there is a small physicochemical difference between lysine and glutamic acid. This variant is present in population databases (rs767949941, ExAC 0.01%). This variant has not been reported in the literature in individuals affected with SLC25A22-related conditions. ClinVar contains an entry for this variant (Variation ID: 207169). Algorithms developed to predict the effect of missense changes on protein structure and function are either unavailable or do not agree on the potential impact of this missense change (SIFT: "Deleterious"; PolyPhen-2: "Possibly Damaging"; Align-GVGD: "Class C0"). In summary, the available evidence is currently insufficient to determine the role of this variant in disease. Therefore, it has been classified as a Variant of Uncertain Significance.

GeneDx
Classification: Uncertain significance. Last evaluated: 2020-02-19. Review status: criteria provided, single submitter. Criteria: GeneDx Variant Classification Process June 2021. Collection method: clinical testing. Allele origin: germline. Affected: yes.
Comment: Not observed at a significant frequency in large population cohorts (Lek et al., 2016); In silico analysis supports that this missense variant has a deleterious effect on protein structure/function; Has not been previously published as pathogenic or benign to our knowledge

Knight Diagnostic Laboratories, Oregon Health and Sciences University
Classification: Uncertain significance for Epileptic encephalopathy, early infantile, 3. Last evaluated: 2019-03-18. Review status: criteria provided, single submitter. Criteria: ACMG Guidelines, 2015. Collection method: clinical testing. Allele origin: germline. Observed: 1 variant allele.

Ambry Genetics
Classification: Uncertain significance for Inborn genetic diseases. Last evaluated: 2018-11-16. Review status: criteria provided, single submitter. Criteria: Ambry Variant Classification Scheme 2023. Collection method: clinical testing. Allele origin: germline.
Comment: The p.K188E variant (also known as c.562A>G), located in coding exon 6 of the SLC25A22 gene, results from an A to G substitution at nucleotide position 562. The lysine at codon 188 is replaced by glutamic acid, an amino acid with similar properties. This amino acid position is well conserved in available vertebrate species. In addition, this alteration is predicted to be deleterious by in silico analysis. Since supporting evidence is limited at this time, the clinical significance of this alteration remains unclear.

NM_001191061.2(SLC25A22):c.562A>G (p.Lys188Glu)

Gene: SLC25A22 (solute carrier family 25 member 22; minus strand). Cytogenetic location: 11p15.5.
Variant type: single nucleotide variant.
Coding change: c.562A>G on transcript NM_001191061.2 (MANE Select); coding-DNA position 562, A replaced by G.
Protein change: p.Lys188Glu; replaces lysine 188 with glutamic acid.
Molecular consequence: missense variant.
Genome position (GRCh38, 1-based): chr11:792,578, T>C on the plus strand (A>G on the coding strand, the complement: SLC25A22 is on the minus strand). VCF-style: chr11-792578-T-C. GRCh37 (hg19) VCF-style: chr11-792578-T-C.
Other names: p.K188E:AAG>GAG; c.562A>G (NM_001191061.1); c.562A>G, p.Lys188Glu (NM_001191060.2, NM_024698.6); short protein forms K188E.
Identifiers: ClinVar variation 207169 (VCV000207169.12), dbSNP rs767949941, ClinGen allele CA318385.